The following is an entry in ClinVar:

ClinVar aggregate classification (germline): Uncertain significance (1 of 4 stars; one submission).

Conditions:
Myopathy, proximal, and ophthalmoplegia (CMYO6). Also called: MYOPATHY WITH CONGENITAL JOINT CONTRACTURES, OPHTHALMOPLEGIA, AND RIMMED VACUOLES; CONGENITAL MYOPATHY 6 WITH OPHTHALMOPLEGIA; INCLUSION BODY MYOPATHY 3, AUTOSOMAL DOMINANT. Identifiers: Orphanet 363677, Orphanet 79091, MedGen C1854106, MONDO:0011577, OMIM 605637.

Submission:

3billion
Classification: Uncertain significance for Myopathy, proximal, and ophthalmoplegia. Last evaluated: 2023-08-15. Review status: criteria provided, single submitter. Criteria: ACMG Guidelines, 2015. Collection method: clinical testing. Allele origin: germline. Affected: yes.
Comment: The variant is not observed in the gnomAD v2.1.1 dataset. Predicted Consequence/Location: Protein truncation variants are a common disease-causing mechanism. In silico tool predictions suggest damaging effect of the variant on gene or gene product [REVEL: 0.90 (>=0.6, sensitivity 0.68 and specificity 0.92); 3Cnet: 0.92 (>=0.6, sensitivity 0.72 and precision 0.9)]. Therefore, this variant is classified as VUS according to the recommendation of ACMG/AMP guideline.

NM_017534.6(MYH2):c.1463T>C (p.Leu488Pro)

Genes: MYH2 (myosin heavy chain 2; minus strand), MYHAS (myosin heavy chain gene cluster antisense RNA; plus strand). Cytogenetic location: 17p13.1.
Variant type: single nucleotide variant.
Coding change: c.1463T>C on transcript NM_017534.6 (MANE Select); coding-DNA position 1463, T replaced by C.
Protein change: p.Leu488Pro; replaces leucine 488 with proline.
Molecular consequence: missense variant.
Genome position (GRCh38, 1-based): chr17:10,537,789, A>G on the plus strand (T>C on the coding strand, the complement: MYH2 is on the minus strand). VCF-style: chr17-10537789-A-G. GRCh37 (hg19) VCF-style: chr17-10441106-A-G.
Other names: c.1463T>C, p.Leu488Pro (NM_001100112.2); short protein forms L488P.
Identifiers: ClinVar variation 3775400 (VCV003775400.1).
Genomic context (GRCh38, chr17:10,537,789, plus strand): 5'-CCTTCCTTCTTGTACTCCTCCTGCTCCAGCACGAACATGTGGTGGTTGAAAAACTGTTGC[A>G]GTTTCTCATTGGTGAAGTTGATGCACAGCTGCTCCAGGCTGTTGAACTAAATAAATAGAT-3'
Protein context (NP_060004.3, residues 478-498): QLCINFTNEK[Leu488Pro]QQFFNHHMFV